The following is an entry in ClinVar:

NM_014384.3(ACAD8):c.611T>C (p.Met204Thr)

Gene: ACAD8 (acyl-CoA dehydrogenase family member 8; plus strand). Cytogenetic location: 11q25.
Variant type: single nucleotide variant.
Coding change: c.611T>C on transcript NM_014384.3 (MANE Select); coding-DNA position 611, T replaced by C.
Protein change: p.Met204Thr; replaces methionine 204 with threonine.
Molecular consequence: missense variant.
Genome position (GRCh38, 1-based): chr11:134,259,651, T>C. VCF-style: chr11-134259651-T-C. GRCh37 (hg19) VCF-style: chr11-134129545-T-C.
Other names: short protein forms M204T.
Identifiers: ClinVar variation 1397234 (VCV001397234.6), dbSNP rs1939759468, ClinGen allele CA383516123.

ClinVar aggregate classification (germline): Uncertain significance (1 of 4 stars; one submission).

Conditions:
Deficiency of isobutyryl-CoA dehydrogenase. Also called: ACAD8 DEFICIENCY; IBD DEFICIENCY; ACYL-CoA DEHYDROGENASE FAMILY, MEMBER 8, DEFICIENCY OF. Identifiers: Orphanet 79159, MedGen C1969809, MONDO:0012648, OMIM 611283.

Allele frequency attached by ClinVar (database versions not stated): gnomAD exomes below 0.00001; TOPMed below 0.00001; gnomAD 0.00001.
gnomAD v4.1: 4 of 1,614,074 alleles (0.00025%); highest among the groups gnomAD compares: Non-Finnish European, 0.00025%; no homozygotes.

Submission:

Labcorp Genetics (formerly Invitae), Labcorp
Classification: Uncertain significance for Deficiency of isobutyryl-CoA dehydrogenase. Last evaluated: 2021-11-19. Review status: criteria provided, single submitter. Criteria: Invitae Variant Classification Sherloc (09022015). Collection method: clinical testing. Allele origin: germline.
Comment: In summary, the available evidence is currently insufficient to determine the role of this variant in disease. Therefore, it has been classified as a Variant of Uncertain Significance. Advanced modeling of protein sequence and biophysical properties (such as structural, functional, and spatial information, amino acid conservation, physicochemical variation, residue mobility, and thermodynamic stability) performed at Invitae indicates that this missense variant is expected to disrupt ACAD8 protein function. This variant has not been reported in the literature in individuals affected with ACAD8-related conditions. This variant is not present in population databases (gnomAD no frequency). This sequence change replaces methionine, which is neutral and non-polar, with threonine, which is neutral and polar, at codon 204 of the ACAD8 protein (p.Met204Thr).